The following is an entry in ClinVar:

NM_005045.4(RELN):c.10106T>C (p.Ile3369Thr)

Genes: RELN (reelin; minus strand), SLC26A5-AS1 (SLC26A5 antisense RNA 1; plus strand). Cytogenetic location: 7q22.1.
Variant type: single nucleotide variant.
Coding change: c.10106T>C on transcript NM_005045.4 (MANE Select); coding-DNA position 10106, T replaced by C.
Protein change: p.Ile3369Thr; replaces isoleucine 3369 with threonine.
Molecular consequence: missense variant.
Genome position (GRCh38, 1-based): chr7:103,483,728, A>G on the plus strand (T>C on the coding strand, the complement: RELN is on the minus strand). VCF-style: chr7-103483728-A-G. GRCh37 (hg19) VCF-style: chr7-103124175-A-G.
Other names: c.10106T>C, p.Ile3369Thr (NM_173054.3); short protein forms I3369T.
Identifiers: ClinVar variation 1998975 (VCV001998975.4), dbSNP rs2485689513, ClinGen allele CA368738915.

ClinVar aggregate classification (germline): Uncertain significance (1 of 4 stars; one submission).

Conditions:
Norman-Roberts syndrome (LIS2). Also called: Lissencephaly 2 (Norman-Roberts type). Identifiers: Orphanet 89844, MedGen C0796089, MONDO:0009760, OMIM 257320.
Familial temporal lobe epilepsy 7. Identifiers: Orphanet 101046, MedGen C4225327, MONDO:0014639, OMIM 616436.

Submission:

Labcorp Genetics (formerly Invitae), Labcorp
Classification: Uncertain significance for Familial temporal lobe epilepsy 7; Norman-Roberts syndrome. Last evaluated: 2022-05-25. Review status: criteria provided, single submitter. Criteria: Invitae Variant Classification Sherloc (09022015). Collection method: clinical testing. Allele origin: germline.
Comment: This sequence change replaces isoleucine, which is neutral and non-polar, with threonine, which is neutral and polar, at codon 3369 of the RELN protein (p.Ile3369Thr). This variant is not present in population databases (gnomAD no frequency). This variant has not been reported in the literature in individuals affected with RELN-related conditions. In summary, the available evidence is currently insufficient to determine the role of this variant in disease. Therefore, it has been classified as a Variant of Uncertain Significance. Algorithms developed to predict the effect of missense changes on protein structure and function are either unavailable or do not agree on the potential impact of this missense change (SIFT: "Deleterious"; PolyPhen-2: "Possibly Damaging"; Align-GVGD: "Class C0").